The following is an entry in ClinVar:

NM_000051.4(ATM):c.73-1G>C

Gene: ATM (ATM serine/threonine kinase; plus strand). Cytogenetic location: 11q22.3.
Variant type: single nucleotide variant.
Coding change: c.73-1G>C on transcript NM_000051.4 (MANE Select); the canonical splice acceptor site of the intron before coding-DNA position 73, G replaced by C.
Molecular consequence: splice acceptor variant.
Genome position (GRCh38, 1-based): chr11:108,227,775, G>C. VCF-style: chr11-108227775-G-C. GRCh37 (hg19) VCF-style: chr11-108098502-G-C.
Other names: c.73-1G>C (NM_001351834.2, NM_001351835.2, NM_001351836.2).
Identifiers: ClinVar variation 2040075 (VCV002040075.4), dbSNP rs1555054043, ClinGen allele CA382519450.
Genomic context (GRCh38, chr11:108,227,775, plus strand): 5'-TCAATTTTTCCTTGAAATAAGTGTGATTAGTAACCCATTATTATTTCCTTTTTATTTTCA[G>C]AAAGAAGTTGAGAAATTTAAGCGCCTGATTCGAGATCCTGAAACAATTAAACATCTAGAT-3'

ClinVar aggregate classification (germline): Pathogenic (1 of 4 stars; one submission).

Conditions:
Ataxia-telangiectasia syndrome (AT). Also called: LOUIS-BAR SYNDROME; AT, COMPLEMENTATION GROUP C; Ataxia-telangiectasia, complementation group E; Ataxia telangiectasia (A-T); ATAXIA-TELANGIECTASIA, COMPLEMENTATION GROUP A; ATAXIA-TELANGIECTASIA, FRESNO VARIANT. Identifiers: Orphanet 100, MedGen C0004135, MONDO:0008840, OMIM 208900.

Submission:

Labcorp Genetics (formerly Invitae), Labcorp
Classification: Pathogenic for Ataxia-telangiectasia syndrome. Last evaluated: 2024-11-12. Review status: criteria provided, single submitter. Criteria: Invitae Variant Classification Sherloc (09022015). Collection method: clinical testing. Allele origin: germline.
Comment: This sequence change affects an acceptor splice site in intron 2 of the ATM gene. It is expected to disrupt RNA splicing. Variants that disrupt the donor or acceptor splice site typically lead to a loss of protein function (PMID: 16199547), and loss-of-function variants in ATM are known to be pathogenic (PMID: 23807571, 25614872). This variant is not present in population databases (gnomAD no frequency). Disruption of this splice site has been observed in individual(s) with ataxia-telangiectasia and/or breast cancer (PMID: 15390180, 28975465, 29665859; internal data). In at least one individual the data is consistent with being in trans (on the opposite chromosome) from a pathogenic variant. ClinVar contains an entry for this variant (Variation ID: 2040075). Algorithms developed to predict the effect of sequence changes on RNA splicing suggest that this variant may disrupt the consensus splice site. For these reasons, this variant has been classified as Pathogenic.

Literature cited by the submitters: PubMed 16199547; PubMed 23807571; PubMed 25614872; PubMed 15390180; PubMed 28975465; PubMed 29665859.